The following is an entry in ClinVar:

NM_001164508.2(NEB):c.20654C>T (p.Ala6885Val)

Gene: NEB (nebulin; minus strand). Cytogenetic location: 2q23.3.
Variant type: single nucleotide variant.
Coding change: c.20654C>T on transcript NM_001164508.2 (MANE Select); coding-DNA position 20654, C replaced by T.
Protein change: p.Ala6885Val; replaces alanine 6885 with valine.
Molecular consequence: missense variant.
Genome position (GRCh38, 1-based): chr2:151,541,475, G>A on the plus strand (C>T on the coding strand, the complement: NEB is on the minus strand). VCF-style: chr2-151541475-G-A. GRCh37 (hg19) VCF-style: chr2-152397989-G-A.
Other names: c.20654C>T, p.Ala6885Val (NM_001164507.2, NM_001271208.2); c.15551C>T, p.Ala5184Val (NM_004543.5); short protein forms A6885V, A5184V.
Identifiers: ClinVar variation 281478 (VCV000281478.24), dbSNP rs202209668, ClinGen allele CA1907204.

ClinVar aggregate classification (germline): Conflicting classifications of pathogenicity. Review status: criteria provided, conflicting classifications (1 of 4 stars). 9 submissions from 9 submitters: Uncertain significance (7); Benign (1). 1 of the submissions does not count toward it. Last evaluated 2026-06-11.

Conditions:
Nemaline myopathy 2 (NEM2). Also called: Nemaline myopathy 2, autosomal recessive. Identifiers: MedGen C1850569, MONDO:0009725, OMIM 256030.
Inborn genetic diseases. Identifiers: MedGen C0950123, MeSH D030342.
Arthrogryposis multiplex congenita 6. Identifiers: MedGen C5543431, MONDO:0030281, OMIM 619334.

Allele frequency attached by ClinVar (database versions not stated): ExAC 0.00035; gnomAD 0.00053 and 0.00054; gnomAD exomes 0.00043 and 0.00104; TOPMed 0.00062; ESP Exome Variant Server 0.00073.
gnomAD v4.1: 1,588 of 1,612,980 alleles (0.098%); highest among the groups gnomAD compares: Non-Finnish European, 0.13%; 4 homozygotes.

Submissions (9):

GeneDx
Classification: Uncertain significance. Last evaluated: 2026-06-11. Review status: criteria provided, single submitter. Criteria: GeneDx Variant Classification Process June 2021. Collection method: clinical testing. Allele origin: germline.
Comment: In silico analysis suggests that this missense variant does not alter protein structure/function; Has not been previously published as pathogenic or benign to our knowledge

Labcorp Genetics (formerly Invitae), Labcorp
Classification: Benign for Nemaline myopathy 2. Last evaluated: 2026-01-28. Review status: criteria provided, single submitter. Criteria: Invitae Variant Classification Sherloc (09022015). Collection method: clinical testing. Allele origin: germline.

Revvity Omics, Revvity
Classification: Uncertain significance. Last evaluated: 2025-06-24. Review status: criteria provided, single submitter. Criteria: ACMG Guidelines, 2015. Collection method: clinical testing. Allele origin: germline.

Fulgent Genetics
Classification: Uncertain significance for Nemaline myopathy 2; Arthrogryposis multiplex congenita 6. Last evaluated: 2021-09-09. Review status: criteria provided, single submitter. Criteria: ACMG Guidelines, 2015. Collection method: clinical testing. Allele origin: unknown.

Ambry Genetics
Classification: Uncertain significance for Inborn genetic diseases. Last evaluated: 2021-08-16. Review status: criteria provided, single submitter. Criteria: Ambry Variant Classification Scheme 2023. Collection method: clinical testing. Allele origin: germline.

Baylor Genetics
Classification: Uncertain significance for Nemaline myopathy 2. Last evaluated: 2019-02-02. Review status: criteria provided, single submitter. Criteria: ACMG Guidelines, 2015. Collection method: clinical testing. Allele origin: unknown. Affected: yes.
Comment: This variant was determined to be of uncertain significance according to ACMG Guidelines, 2015 [PMID:25741868].

Illumina Laboratory Services, Illumina
Classification: Uncertain significance for Nemaline myopathy 2. Last evaluated: 2018-01-13. Review status: criteria provided, single submitter. Criteria: ICSL Variant Classification Criteria 13 December 2019. Collection method: clinical testing. Allele origin: germline.

Eurofins Ntd Llc (ga)
Classification: Uncertain significance. Last evaluated: 2015-06-22. Review status: criteria provided, single submitter. Criteria: EGL Classification Definitions 2015. Collection method: clinical testing. Allele origin: germline. Observed: 1 variant allele, 1 heterozygote.

Natera, Inc.
Classification: Uncertain significance for Nemaline myopathy type 2. Last evaluated: 2020-09-16. Review status: no assertion criteria provided. Collection method: clinical testing. Allele origin: germline. Not counted in ClinVar's aggregate classification.